The following is an entry in ClinVar:

ClinVar aggregate classification (germline): Uncertain significance. Review status: criteria provided, multiple submitters, no conflicts (2 of 4 stars). 2 submissions from 2 submitters: Uncertain significance (2). Last evaluated 2026-04-14.

Conditions:
Inborn genetic diseases. Identifiers: MedGen C0950123, MeSH D030342.

Allele frequency attached by ClinVar (database versions not stated): gnomAD exomes 0.00001; TOPMed below 0.00001.
gnomAD v4.1: 6 of 1,073,460 alleles (0.00056%); highest among the groups gnomAD compares: East Asian, 0.012%; no homozygotes.

Submissions (2):

Ambry Genetics
Classification: Uncertain significance for Inborn genetic diseases. Last evaluated: 2026-04-14. Review status: criteria provided, single submitter. Criteria: Ambry Variant Classification Scheme 2023. Collection method: clinical testing. Allele origin: germline.
Comment: The c.77C>T (p.A26V) alteration is located in exon 1 (coding exon 1) of the DEAF1 gene. This alteration results from a C to T substitution at nucleotide position 77, causing the alanine (A) at amino acid position 26 to be replaced by a valine (V). Based on data from gnomAD, the T allele has an overall frequency of <0.001% (0/27360) total alleles studied. The highest observed frequency was <0.001% (/) of alleles. Based on insufficient or conflicting evidence, the clinical significance of this alteration remains unclear.

Labcorp Genetics (formerly Invitae), Labcorp
Classification: Uncertain significance. Last evaluated: 2025-02-26. Review status: criteria provided, single submitter. Criteria: Invitae Variant Classification Sherloc (09022015). Collection method: clinical testing. Allele origin: germline.
Comment: This sequence change replaces alanine, which is neutral and non-polar, with valine, which is neutral and non-polar, at codon 26 of the DEAF1 protein (p.Ala26Val). The frequency data for this variant in the population databases is considered unreliable, as metrics indicate poor data quality at this position in the gnomAD database. This variant has not been reported in the literature in individuals affected with DEAF1-related conditions. ClinVar contains an entry for this variant (Variation ID: 2102054). Invitae Evidence Modeling of protein sequence and biophysical properties (such as structural, functional, and spatial information, amino acid conservation, physicochemical variation, residue mobility, and thermodynamic stability) indicates that this missense variant is not expected to disrupt DEAF1 protein function with a negative predictive value of 80%. In summary, the available evidence is currently insufficient to determine the role of this variant in disease. Therefore, it has been classified as a Variant of Uncertain Significance.

NM_021008.4(DEAF1):c.77C>T (p.Ala26Val)

Gene: DEAF1 (DEAF1 transcription factor; minus strand). Cytogenetic location: 11p15.5.
Variant type: single nucleotide variant.
Coding change: c.77C>T on transcript NM_021008.4 (MANE Select); coding-DNA position 77, C replaced by T.
Protein change: p.Ala26Val; replaces alanine 26 with valine.
Molecular consequence: missense variant. On other transcripts: intron variant (1).
Genome position (GRCh38, 1-based): chr11:694,971, G>A on the plus strand (C>T on the coding strand, the complement: DEAF1 is on the minus strand). VCF-style: chr11-694971-G-A. GRCh37 (hg19) VCF-style: chr11-694971-G-A.
Other names: c.77C>T, p.Ala26Val (NM_001293634.2); c.-437-3373C>T (NM_001367390.1); c.77C>T (NM_021008.2); short protein forms A26V.
Identifiers: ClinVar variation 2102054 (VCV002102054.5), dbSNP rs1428678041, ClinGen allele CA378940309.
Genomic context (GRCh38, chr11:694,971, plus strand): 5'-TCGTCCCTGCTCAGCACCGGCTCCTCCGCCTCGCCTCCTGCCGCGGCCGCGGCCGCCGCC[G>A]CCACAGCGGCCGCGGCCGCCACCGCCGCCGCCTCAGCCAGGCCCAGCTGCTTTGCCGCCG-3'
Protein context (NP_066288.2, residues 16-36): AAAVAAAAAV[Ala26Val]AAAAAAAGGE